The following is an entry in ClinVar:

ClinVar aggregate classification (germline): Uncertain significance. Review status: criteria provided, multiple submitters, no conflicts (2 of 4 stars). 2 submissions from 2 submitters: Uncertain significance (2). Last evaluated 2024-02-24.

Conditions:
Inborn genetic diseases. Identifiers: MedGen C0950123, MeSH D030342.

Submissions (2):

Labcorp Genetics (formerly Invitae), Labcorp
Classification: Uncertain significance. Last evaluated: 2024-02-24. Review status: criteria provided, single submitter. Criteria: Invitae Variant Classification Sherloc (09022015). Collection method: clinical testing. Allele origin: germline.
Comment: This sequence change replaces isoleucine, which is neutral and non-polar, with asparagine, which is neutral and polar, at codon 1207 of the USH2A protein (p.Ile1207Asn). This variant is not present in population databases (gnomAD no frequency). This variant has not been reported in the literature in individuals affected with USH2A-related conditions. ClinVar contains an entry for this variant (Variation ID: 1389571). Advanced modeling of protein sequence and biophysical properties (such as structural, functional, and spatial information, amino acid conservation, physicochemical variation, residue mobility, and thermodynamic stability) has been performed at Invitae for this missense variant, however the output from this modeling did not meet the statistical confidence thresholds required to predict the impact of this variant on USH2A protein function. In summary, the available evidence is currently insufficient to determine the role of this variant in disease. Therefore, it has been classified as a Variant of Uncertain Significance.

Ambry Genetics
Classification: Uncertain significance for Inborn genetic diseases. Last evaluated: 2024-01-23. Review status: criteria provided, single submitter. Criteria: Ambry Variant Classification Scheme 2023. Collection method: clinical testing. Allele origin: germline.

NM_206933.4(USH2A):c.3620T>A (p.Ile1207Asn)

Genes: USH2A (usherin; minus strand), USH2A-AS1 (USH2A antisense RNA 1; plus strand). Cytogenetic location: 1q41.
Variant type: single nucleotide variant.
Coding change: c.3620T>A on transcript NM_206933.4 (MANE Select); coding-DNA position 3620, T replaced by A.
Protein change: p.Ile1207Asn; replaces isoleucine 1207 with asparagine.
Molecular consequence: missense variant.
Genome position (GRCh38, 1-based): chr1:216,199,818, A>T on the plus strand (T>A on the coding strand, the complement: USH2A is on the minus strand). VCF-style: chr1-216199818-A-T. GRCh37 (hg19) VCF-style: chr1-216373160-A-T.
Other names: c.3620T>A, p.Ile1207Asn (NM_007123.6); c.3620T>A (NM_206933.2); short protein forms I1207N.
Identifiers: ClinVar variation 1389571 (VCV001389571.8), dbSNP rs2102466754, ClinGen allele CA344868042.
Genomic context (GRCh38, chr1:216,199,818, plus strand): 5'-CCCCCGCTAGTACACGCCTGTACAGAAAAATCGTACTTGGCAAATGGAACCAGATTCCAG[A>T]TGGTAGCTGAGGTTTCATGACCTTCGTAGGAAACACATGGCTGACCACCAGCCAAAGGGG-3'
Protein context (NP_996816.3, residues 1197-1217): SYEGHETSAT[Ile1207Asn]WNLVPFAKYD